The following is an entry in ClinVar:

NM_004960.4(FUS):c.1574C>T (p.Pro525Leu)

Gene: FUS (FUS DNA/RNA binding protein; plus strand). Cytogenetic location: 16p11.2.
Variant type: single nucleotide variant.
Coding change: c.1574C>T on transcript NM_004960.4 (MANE Select); coding-DNA position 1574, C replaced by T.
Protein change: p.Pro525Leu; replaces proline 525 with leucine.
Molecular consequence: missense variant. On other transcripts: non-coding transcript variant (1).
Genome position (GRCh38, 1-based): chr16:31,191,431, C>T. VCF-style: chr16-31191431-C-T. GRCh37 (hg19) VCF-style: chr16-31202752-C-T.
Other names: c.1571C>T, p.Pro524Leu (NM_001170634.1); c.1562C>T, p.Pro521Leu (NM_001170937.1); short protein forms P525L, P521L, P524L.
Identifiers: ClinVar variation 280110 (VCV000280110.56), dbSNP rs886041390, ClinGen allele CA10603390.

ClinVar aggregate classification (germline): Pathogenic. Review status: criteria provided, multiple submitters, no conflicts (2 of 4 stars). 10 submissions from 10 submitters: Pathogenic (10). Last evaluated 2026-01-03.

Conditions:
Juvenile amyotrophic lateral sclerosis (JALS). Also called: Juvenile Amyotrophic Lateral Sclerosis (JALS). Identifiers: Orphanet 300605, MedGen C3468114, MONDO:0017593.
FUS-related disorder. Also called: FUS-related condition.
Tremor, hereditary essential, 4 (ETM4). Identifiers: MedGen C3539195, MONDO:0013888, OMIM 614782.
Amyotrophic lateral sclerosis type 6. Also called: AMYOTROPHIC LATERAL SCLEROSIS 6 WITHOUT FRONTOTEMPORAL DEMENTIA; FUS-Related Amyotrophic Laterial Sclerosis; Amyotrophic lateral sclerosis 6, with or without frontotemporal dementia. Identifiers: Orphanet 275872, Orphanet 803, MedGen C2931786, MONDO:0011951, OMIM 608030.

Allele frequency attached by ClinVar (database versions not stated): gnomAD exomes below 0.00001.

Submissions (10):

Dasa
Classification: Pathogenic. Last evaluated: 2026-01-03. Review status: criteria provided, single submitter. Criteria: DASA Assertion Criteria. Collection method: clinical testing. Allele origin: germline.
Comment: NM_004960.4(FUS):c.1574C>T (p.Pro525Leu) is a missense variant that results in the substitution of proline with leucine. The affected residue or protein region has prior evidence supporting clinical relevance. De novo occurrence has been reported in an individual with related phenotype. Functional evidence supports a deleterious effect on the gene or gene product (PMID: 20606625; PMID: 25625564; PMID: 26251528; PMID: 19251627; PMID: 21604077). This variant has been recurrently observed in individuals with related phenotype (PMID: 20606625; PMID: 25625564; PMID: 26251528; PMID: 19251627; PMID: 21604077). Multiple computational predictions support a deleterious effect on the gene or gene product. The variant is present at low frequency in population datasets. Based on the available data, this variant is classified as pathogenic.

PreventionGenetics, part of Exact Sciences
Classification: Pathogenic for FUS-related condition. Last evaluated: 2025-11-05. Review status: criteria provided, single submitter. Criteria: ACMG Guidelines, 2015. Collection method: clinical testing. Allele origin: germline.
Comment: The FUS c.1574C>T variant is predicted to result in the amino acid substitution p.Pro525Leu. This variant, also described as p.Pro517Leu using legacy nomenclature, has been reported (typically de novo) in multiple unrelated individuals with juvenile amyotrophic lateral sclerosis (ALS, see for example, Kwiatkowski et al. 2009. PubMed ID: 19251627; Conte et al. 2012. PubMed ID: 21907581; Goldstein et al. 2022. PubMed ID: 35812163). This variant is located within the conserved C-terminal region of FUS, which is expected to be intolerant to missense variation and is considered a hot spot for ALS-causing variants (Lattante et al. 2013. PubMed ID: 23559573). Multiple functional studies suggest that this variant has a significant negative impact on protein function (see for example, Dormann et al. 2010. PubMed ID: 20606625; Coady et al. 2015. PubMed ID: 26251528; Szewczyk et al. 2023. PubMed ID: 36696267). This variant is reported in 0.00088% of alleles in individuals of European (Non-Finnish) descent in gnomAD has been consistently interpreted as pathogenic by multiple submitters in ClinVar (Variation ID: 280110). Taken together, we interpret this variant as pathogenic.

Labcorp Genetics (formerly Invitae), Labcorp
Classification: Pathogenic for Tremor, hereditary essential, 4; Amyotrophic lateral sclerosis type 6. Last evaluated: 2025-08-20. Review status: criteria provided, single submitter. Criteria: Invitae Variant Classification Sherloc (09022015). Collection method: clinical testing. Allele origin: germline.
Comment: This sequence change replaces proline, which is neutral and non-polar, with leucine, which is neutral and non-polar, at codon 525 of the FUS protein (p.Pro525Leu). The frequency data for this variant in the population databases is considered unreliable, as metrics indicate poor data quality at this position in the gnomAD database. This missense change has been observed in individual(s) with juvenile ALS and amyotrophic lateral sclerosis (ALS) (PMID: 19251627, 20579074, 21604077, 21907581, 22980027, 27123482). In at least one individual the variant was observed to be de novo. ClinVar contains an entry for this variant (Variation ID: 280110). An algorithm developed to predict the effect of missense changes on protein structure and function (PolyPhen-2) suggests that this variant is likely to be disruptive. Experimental studies have shown that this missense change affects FUS function (PMID: 20606625, 21280085, 24899262, 25173930, 25625564, 26251528). For these reasons, this variant has been classified as Pathogenic.

GeneDx
Classification: Pathogenic. Last evaluated: 2025-02-18. Review status: criteria provided, single submitter. Criteria: GeneDx Variant Classification Process June 2021. Collection method: clinical testing. Allele origin: germline. Affected: yes.
Comment: Published in vitro functional studies demonstrate mislocalization of the FUS protein product in the cytoplasm instead of the nucleus (PMID: 26251528, 20606625); Not observed at significant frequency in large population cohorts (gnomAD); In silico analysis supports that this missense variant has a deleterious effect on protein structure/function; This variant is associated with the following publications: (PMID: 24899262, 19450904, 20668261, 21280085, 25173930, 21604077, 20606625, 21949354, 24280224, 25625564, 22778397, 20579074, 22980027, 25792726, 20668259, 27123482, 25912081, 26298469, 23881933, 21881207, 23056579, 30808650, 30684766, 30455313, 31682085, 31630970, 32579787, 32307925, 33518565, 33580145, 32479602, 34544842, 34275688, 33670886, 36801857, 32951934, 35812163, 19251627, 21907581, 26251528)

3billion
Classification: Pathogenic for Amyotrophic lateral sclerosis type 6. Last evaluated: 2024-11-27. Review status: criteria provided, single submitter. Criteria: ACMG Guidelines, 2015. Collection method: clinical testing. Allele origin: germline. Affected: yes.
Comment: The variant is not observed in the gnomAD v4.1.0 dataset. Predicted Consequence/Location: Missense variant In silico tool predictions suggest damaging effect of the variant on gene or gene product [REVEL: 0.73 (>=0.6, sensitivity 0.68 and specificity 0.92); 3Cnet: 0.99 (>=0.6, sensitivity 0.72 and precision 0.9)]. The same nucleotide change resulting in the same amino acid change has been previously reported as pathogenic/likely pathogenic with strong evidence (ClinVar ID: VCV000280110 /PMID: 19251627 /3billion dataset). The variant has been previously reported as assumed (i.e. paternity and maternity not confirmed) de novo in at least one similarly affected unrelated individual (PMID: 27123482). Different missense changes at the same codon (p.Pro525Arg, p.Pro525Ser, p.Pro525Thr) have been reported as pathogenic/likely pathogenic with strong evidence (ClinVar ID: VCV002046744, VCV002671949 /PMID: 28812062). Therefore, this variant is classified as Pathogenic according to the recommendation of ACMG/AMP guideline.

Blueprint Genetics
Classification: Pathogenic for FUS-related disorders. Last evaluated: 2024-07-18. Review status: criteria provided, single submitter. Criteria: ACMG Guidelines, 2015. Collection method: clinical testing. Allele origin: germline. Affected: yes. Observed: 2 variant alleles.

Kariminejad - Najmabadi Pathology & Genetics Center
Classification: Pathogenic for Amyotrophic lateral sclerosis type 6; Tremor, hereditary essential, 4. Last evaluated: 2024-04-15. Review status: criteria provided, single submitter. Criteria: ACMG Guidelines, 2015. Collection method: clinical testing. Allele origin: germline. Inheritance: Autosomal dominant inheritance. Affected: yes.
Comment: PM2,PM1,PP3,PP5,PM5

CeGaT Center for Human Genetics Tuebingen
Classification: Pathogenic. Last evaluated: 2024-01-01. Review status: criteria provided, single submitter. Criteria: CeGaT Center For Human Genetics Tuebingen Variant Classification Criteria Version 2. Collection method: clinical testing. Allele origin: germline. Affected: yes. Observed: 5 variant alleles.
Comment: FUS: PM1, PM2, PM5, PM6, PS3:Moderate, PS4:Moderate

Suna and Inan Kirac Foundation Neurodegeneration Research Laboratory, Koc University
Classification: Pathogenic for Juvenile amyotrophic lateral sclerosis. Last evaluated: 2020-03-31. Review status: criteria provided, single submitter. Criteria: ACMG Guidelines, 2015. Collection method: research. Allele origin: germline. Affected: yes. Observed: 3 variant alleles.

Athena Diagnostics
Classification: Pathogenic. Last evaluated: 2014-05-28. Review status: criteria provided, single submitter. Criteria: Athena Diagnostics Criteria. Collection method: clinical testing. Allele origin: germline.

Literature cited by the submitters: PubMed 20606625 (cited by 3 submitters); PubMed 25625564 (cited by Dasa and Labcorp Genetics (formerly Invitae), Labcorp); PubMed 26251528 (cited by Dasa and Labcorp Genetics (formerly Invitae), Labcorp); PubMed 19251627 (cited by 4 submitters); PubMed 21604077 (cited by 3 submitters); PubMed 21907581 (cited by 3 submitters); PubMed 22980027 (cited by 3 submitters); PubMed 27123482 (cited by 3 submitters); PubMed 20579074 (cited by Labcorp Genetics (formerly Invitae), Labcorp and Athena Diagnostics); PubMed 21280085 (cited by Labcorp Genetics (formerly Invitae), Labcorp); PubMed 24899262 (cited by Labcorp Genetics (formerly Invitae), Labcorp); PubMed 25173930 (cited by Labcorp Genetics (formerly Invitae), Labcorp); PubMed 28812062 (cited by 3billion); PubMed 21949354 (cited by Athena Diagnostics); PubMed 21881207 (cited by Athena Diagnostics); PubMed 23085990 (cited by Athena Diagnostics); PubMed 23056579 (cited by Athena Diagnostics); PubMed 23881933 (cited by Athena Diagnostics); PubMed 19450904 (cited by Athena Diagnostics); PubMed 20668261 (cited by Athena Diagnostics).